The following is an entry in ClinVar:

ClinVar aggregate classification (germline): Likely benign (1 of 4 stars; one submission).

Allele frequency attached by ClinVar (database versions not stated): 1000 Genomes Project 0.00040; 1000 Genomes Project 30x 0.00062.
gnomAD v4.1: 159 of 1,231,466 alleles (0.013%); highest among the groups gnomAD compares: Admixed American, 0.034%; no homozygotes.

Submission:

CeGaT Center for Human Genetics Tuebingen
Classification: Likely benign. Last evaluated: 2023-02-01. Review status: criteria provided, single submitter. Criteria: CeGaT Center For Human Genetics Tuebingen Variant Classification Criteria Version 2. Collection method: clinical testing. Allele origin: germline. Affected: yes. Observed: 1 variant allele.
Comment: CELF2: BP4, BP7

NM_001326317.2(CELF2):c.-49G>A

Gene: CELF2 (CUGBP Elav-like family member 2; plus strand). Cytogenetic location: 10p14.
Variant type: single nucleotide variant.
Coding change: c.-49G>A on transcript NM_001326317.2; 49 bases upstream of the start codon, G replaced by A.
Molecular consequence: 5 prime UTR variant. On other transcripts: synonymous variant (3).
Genome position (GRCh38, 1-based): chr10:10,919,970, G>A. VCF-style: chr10-10919970-G-A. GRCh37 (hg19) VCF-style: chr10-10961933-G-A.
Other names: c.-49G>A (NM_001326318.2, NM_001326320.2, NM_001326321.2 and 3 more transcripts); c.-87G>A (NM_001326319.2); c.117G>A, p.Thr39= (NM_001326325.2); c.60G>A, p.Thr20= (NM_001326326.2, NM_001326327.2).
Identifiers: ClinVar variation 2640298 (VCV002640298.22), dbSNP rs190253214, ClinGen allele CA203056885.